The following is an entry in ClinVar:

ClinVar aggregate classification (germline): Uncertain significance. Review status: criteria provided, multiple submitters, no conflicts (2 of 4 stars). 2 submissions from 2 submitters: Uncertain significance (2). Last evaluated 2025-12-13.

Allele frequency attached by ClinVar (database versions not stated): gnomAD 0.00005; gnomAD exomes 0.00007; TOPMed 0.00012.
gnomAD v4.1: 102 of 1,447,652 alleles (0.007%); highest among the groups gnomAD compares: Admixed American, 0.025%; no homozygotes.

Submissions (2):

Labcorp Genetics (formerly Invitae), Labcorp
Classification: Uncertain significance. Last evaluated: 2025-12-13. Review status: criteria provided, single submitter. Criteria: Invitae Variant Classification Sherloc (09022015). Collection method: clinical testing. Allele origin: germline.
Comment: This sequence change replaces glutamic acid, which is acidic and polar, with lysine, which is basic and polar, at codon 778 of the SYNPO protein (p.Glu778Lys). The frequency data for this variant in the population databases is considered unreliable, as metrics indicate poor data quality at this position in the gnomAD database. This variant has not been reported in the literature in individuals affected with SYNPO-related conditions. ClinVar contains an entry for this variant (Variation ID: 2413958). An algorithm developed to predict the effect of missense changes on protein structure and function (PolyPhen-2) suggests that this variant is likely to be tolerated. In summary, the available evidence is currently insufficient to determine the role of this variant in disease. Therefore, it has been classified as a Variant of Uncertain Significance.

Ambry Genetics
Classification: Uncertain significance. Last evaluated: 2023-12-15. Review status: criteria provided, single submitter. Criteria: Ambry Variant Classification Scheme 2023. Collection method: clinical testing. Allele origin: germline.

NM_007286.6(SYNPO):c.2332G>A (p.Glu778Lys)

Gene: SYNPO (synaptopodin; plus strand). Cytogenetic location: 5q33.1.
Variant type: single nucleotide variant.
Coding change: c.2332G>A on transcript NM_007286.6 (MANE Select); coding-DNA position 2332, G replaced by A.
Protein change: p.Glu778Lys; replaces glutamic acid 778 with lysine.
Molecular consequence: missense variant.
Genome position (GRCh38, 1-based): chr5:150,656,707, G>A. VCF-style: chr5-150656707-G-A. GRCh37 (hg19) VCF-style: chr5-150036269-G-A.
Other names: c.2332G>A (NM_007286.5); short protein forms E778K.
Identifiers: ClinVar variation 2413958 (VCV002413958.7), dbSNP rs751294741, ClinGen allele CA3513600.